The following is an entry in ClinVar:

NM_000135.4(FANCA):c.3158G>T (p.Arg1053Leu)

Gene: FANCA (FA complementation group A; minus strand). Cytogenetic location: 16q24.3.
Variant type: single nucleotide variant.
Coding change: c.3158G>T on transcript NM_000135.4 (MANE Select); coding-DNA position 3158, G replaced by T.
Protein change: p.Arg1053Leu; replaces arginine 1053 with leucine.
Molecular consequence: missense variant.
Genome position (GRCh38, 1-based): chr16:89,749,811, C>A on the plus strand (G>T on the coding strand, the complement: FANCA is on the minus strand). VCF-style: chr16-89749811-C-A. GRCh37 (hg19) VCF-style: chr16-89816219-C-A.
Other names: c.3158G>T, p.Arg1053Leu (NM_001286167.3); short protein forms R1053L.
Identifiers: ClinVar variation 4254246 (VCV004254246.1).

ClinVar aggregate classification (germline): Uncertain significance (1 of 4 stars; one submission).

Conditions:
Inborn genetic diseases. Identifiers: MedGen C0950123, MeSH D030342.

Submission:

Ambry Genetics
Classification: Uncertain significance for Inborn genetic diseases. Last evaluated: 2025-08-02. Review status: criteria provided, single submitter. Criteria: Ambry Variant Classification Scheme 2023. Collection method: clinical testing. Allele origin: germline.
Comment: The p.R1053L variant (also known as c.3158G>T), located in coding exon 32 of the FANCA gene, results from a G to T substitution at nucleotide position 3158. The arginine at codon 1053 is replaced by leucine, an amino acid with dissimilar properties. This amino acid position is conserved. In addition, this alteration is predicted to be tolerated by in silico analysis. Based on the available evidence, the clinical significance of this variant remains unclear.